The following is an entry in ClinVar:

NM_001903.5(CTNNA1):c.2192+2_2192+16del

Gene: CTNNA1 (catenin alpha 1; plus strand). Cytogenetic location: 5q31.2.
Variant type: Deletion.
Coding change: c.2192+2_2192+16del on transcript NM_001903.5 (MANE Select); the canonical splice donor site of the intron after coding-DNA position 2192 through 16 bases into the intron after coding-DNA position 2192, 15 bases deleted (TGAGCAGCACCCCGG).
Molecular consequence: splice donor variant.
Genome position (GRCh38, 1-based): chr5:138,930,656-138,930,670, TGAGCAGCACCCCGG deleted; deleting any 15 consecutive bases within chr5:138,930,651-138,930,670 gives the same sequence; the c. name uses the placement nearest the transcript's 3' end. VCF-style (leftmost placement, unchanged base first): chr5-138930650-ACCCGGTGAGCAGCAC-A. GRCh37 (hg19) VCF-style: chr5-138266339-ACCCGGTGAGCAGCAC-A.
Other names: c.2192+2_2192+16del (NM_001323982.2, NM_001323984.2, NM_001290307.3 and 2 more transcripts); c.2099+2_2099+16del (NM_001323986.2); c.1823+2_1823+16del (NM_001290310.3); c.1883+2_1883+16del (NM_001290309.3); c.1082+2_1082+16del (NM_001323996.1, NM_001323993.1, NM_001324005.1 and 17 more transcripts); c.743+2_743+16del (NM_001324007.1, NM_001324009.1, NM_001324006.1 and 2 more transcripts); c.839+2_839+16del (NM_001324013.1, NM_001324012.1); c.989+2_989+16del (NM_001324011.1).
Identifiers: ClinVar variation 1058874 (VCV001058874.7), dbSNP rs2150335225, ClinGen allele CA2499217666.

ClinVar aggregate classification (germline): Likely pathogenic (1 of 4 stars; one submission).

Submission:

Labcorp Genetics (formerly Invitae), Labcorp
Classification: Likely pathogenic. Last evaluated: 2023-05-15. Review status: criteria provided, single submitter. Criteria: Invitae Variant Classification Sherloc (09022015). Collection method: clinical testing. Allele origin: germline.
Comment: In summary, the currently available evidence indicates that the variant is pathogenic, but additional data are needed to prove that conclusively. Therefore, this variant has been classified as Likely Pathogenic. Algorithms developed to predict the effect of sequence changes on RNA splicing suggest that this variant may disrupt the consensus splice site. ClinVar contains an entry for this variant (Variation ID: 1058874). This variant has not been reported in the literature in individuals affected with CTNNA1-related conditions. This variant is not present in population databases (gnomAD no frequency). This sequence change affects a splice site in intron 15 of the CTNNA1 gene. It is expected to disrupt RNA splicing. Variants that disrupt the donor or acceptor splice site typically lead to a loss of protein function (PMID: 16199547), and loss-of-function variants in CTNNA1 are known to be pathogenic (PMID: 32051609, 34425242).

Literature cited by the submitters: PubMed 16199547; PubMed 32051609; PubMed 34425242.